The following is an entry in ClinVar:

ClinVar aggregate classification (germline): Likely benign (1 of 4 stars; one submission).

Conditions:
LEPR-related disorder. Also called: LEPR-related disorders; LEPR-related condition.

gnomAD v4.1: 1 of 1,610,094 alleles (0.000062%); no homozygotes.

Submission:

PreventionGenetics, part of Exact Sciences
Classification: Likely benign for LEPR-related condition. Last evaluated: 2025-07-02. Review status: criteria provided, single submitter. Criteria: ACMG Guidelines, 2015. Collection method: clinical testing. Allele origin: germline.
Comment: This variant is classified as likely benign based on ACMG/AMP sequence variant interpretation guidelines (Richards et al. 2015 PMID: 25741868, with internal and published modifications).

NM_002303.6(LEPR):c.2396-3C>T

Gene: LEPR (leptin receptor; plus strand). Cytogenetic location: 1p31.3.
Variant type: single nucleotide variant.
Coding change: c.2396-3C>T on transcript NM_002303.6 (MANE Select); 3 bases into the intron before coding-DNA position 2396, C replaced by T.
Molecular consequence: intron variant.
Genome position (GRCh38, 1-based): chr1:65,619,925, C>T. VCF-style: chr1-65619925-C-T. GRCh37 (hg19) VCF-style: chr1-66085608-C-T.
Other names: c.2396-3C>T (NM_001003679.3, NM_001003680.3, NM_001198689.2 and 2 more transcripts).
Identifiers: ClinVar variation 4986847 (VCV004986847.1).